The following is an entry in ClinVar:

NM_001195.5(BFSP1):c.1100C>T (p.Pro367Leu)

Gene: BFSP1 (beaded filament structural protein 1; minus strand). Cytogenetic location: 20p12.1.
Variant type: single nucleotide variant.
Coding change: c.1100C>T on transcript NM_001195.5 (MANE Select); coding-DNA position 1100, C replaced by T.
Protein change: p.Pro367Leu; replaces proline 367 with leucine.
Molecular consequence: missense variant.
Genome position (GRCh38, 1-based): chr20:17,494,972, G>A on the plus strand (C>T on the coding strand, the complement: BFSP1 is on the minus strand). VCF-style: chr20-17494972-G-A. GRCh37 (hg19) VCF-style: chr20-17475617-G-A.
Other names: c.683C>T, p.Pro228Leu (NM_001278608.2, NM_001278606.2); c.1100C>T (NM_001195.4); c.725C>T, p.Pro242Leu (NM_001161705.2); c.767C>T, p.Pro256Leu (NM_001278607.2); short protein forms P228L, P242L, P367L, P256L.
Identifiers: ClinVar variation 2528361 (VCV002528361.3), dbSNP rs761742869, ClinGen allele CA9772124.

ClinVar aggregate classification (germline): Uncertain significance. Review status: criteria provided, multiple submitters, no conflicts (2 of 4 stars). 2 submissions from 2 submitters: Uncertain significance (2). Last evaluated 2025-11-11.

Conditions:
Inborn genetic diseases. Identifiers: MedGen C0950123, MeSH D030342.
BFSP1-related disorder. Also called: BFSP1-related condition.

Allele frequency attached by ClinVar (database versions not stated): ExAC 0.00003; gnomAD 0.00004; gnomAD exomes 0.00009.
gnomAD v4.1: 58 of 1,613,876 alleles (0.0036%); highest among the groups gnomAD compares: East Asian, 0.12%; no homozygotes.

Submissions (2):

PreventionGenetics, part of Exact Sciences
Classification: Uncertain significance for BFSP1-related condition. Last evaluated: 2025-11-11. Review status: criteria provided, single submitter. Criteria: ACMG Guidelines, 2015. Collection method: clinical testing. Allele origin: germline.
Comment: The BFSP1 c.1100C>T variant is predicted to result in the amino acid substitution p.Pro367Leu. To our knowledge, this variant has not been reported in the literature. This variant is reported in 0.080% of alleles in individuals of East Asian descent in gnomAD. Although we suspect that this variant may be benign, at this time, the clinical significance of this variant is uncertain due to the absence of conclusive functional and genetic evidence.

Ambry Genetics
Classification: Uncertain significance for Inborn genetic diseases. Last evaluated: 2023-03-22. Review status: criteria provided, single submitter. Criteria: Ambry Variant Classification Scheme 2023. Collection method: clinical testing. Allele origin: germline.